The following is an entry in ClinVar:

ClinVar aggregate classification (germline): Uncertain significance (1 of 4 stars; one submission).

Conditions:
Epileptic encephalopathy. Identifiers: MedGen C0543888, HP:0200134.

Allele frequency attached by ClinVar (database versions not stated): gnomAD 0.00001; gnomAD exomes 0.00001 and 0.00002; TOPMed 0.00002.
gnomAD v4.1: 26 of 1,550,346 alleles (0.0017%); highest among the groups gnomAD compares: East Asian, 0.0098%; no homozygotes.

Submission:

Labcorp Genetics (formerly Invitae), Labcorp
Classification: Uncertain significance for Epileptic encephalopathy. Last evaluated: 2025-07-07. Review status: criteria provided, single submitter. Criteria: Invitae Variant Classification Sherloc (09022015). Collection method: clinical testing. Allele origin: germline.
Comment: This sequence change replaces valine, which is neutral and non-polar, with isoleucine, which is neutral and non-polar, at codon 1505 of the FASN protein (p.Val1505Ile). The frequency data for this variant in the population databases is considered unreliable, as metrics indicate poor data quality at this position in the gnomAD database. This variant has not been reported in the literature in individuals affected with FASN-related conditions. ClinVar contains an entry for this variant (Variation ID: 851598). An algorithm developed to predict the effect of missense changes on protein structure and function outputs the following: PolyPhen-2: "Benign". The isoleucine amino acid residue is found in multiple mammalian species, which suggests that this missense change does not adversely affect protein function. In summary, the available evidence is currently insufficient to determine the role of this variant in disease. Therefore, it has been classified as a Variant of Uncertain Significance.

NM_004104.5(FASN):c.4513G>A (p.Val1505Ile)

Gene: FASN (fatty acid synthase; minus strand). Cytogenetic location: 17q25.3.
Variant type: single nucleotide variant.
Coding change: c.4513G>A on transcript NM_004104.5 (MANE Select); coding-DNA position 4513, G replaced by A.
Protein change: p.Val1505Ile; replaces valine 1505 with isoleucine.
Molecular consequence: missense variant.
Genome position (GRCh38, 1-based): chr17:82,084,850, C>T on the plus strand (G>A on the coding strand, the complement: FASN is on the minus strand). VCF-style: chr17-82084850-C-T. GRCh37 (hg19) VCF-style: chr17-80042726-C-T.
Other names: short protein forms V1505I.
Identifiers: ClinVar variation 851598 (VCV000851598.9), dbSNP rs954842120, ClinGen allele CA295129471.